The following is an entry in ClinVar:

NM_002875.5(RAD51):c.15G>T (p.Met5Ile)

Gene: RAD51 (RAD51 recombinase; plus strand). Cytogenetic location: 15q15.1.
Variant type: single nucleotide variant.
Coding change: c.15G>T on transcript NM_002875.5 (MANE Select); coding-DNA position 15, G replaced by T.
Protein change: p.Met5Ile; replaces methionine 5 with isoleucine.
Molecular consequence: missense variant.
Genome position (GRCh38, 1-based): chr15:40,698,773, G>T. VCF-style: chr15-40698773-G-T. GRCh37 (hg19) VCF-style: chr15-40990971-G-T.
Other names: c.15G>T, p.Met5Ile (NM_001164269.2, NM_001164270.2, NM_133487.4); short protein forms M5I.
Identifiers: ClinVar variation 1776159 (VCV001776159.2), dbSNP rs2504406242, ClinGen allele CA391744063.

ClinVar aggregate classification (germline): Uncertain significance (1 of 4 stars; one submission).

Conditions:
Inborn genetic diseases. Identifiers: MedGen C0950123, MeSH D030342.

Submission:

Ambry Genetics
Classification: Uncertain significance for Inborn genetic diseases. Last evaluated: 2021-12-15. Review status: criteria provided, single submitter. Criteria: Ambry Variant Classification Scheme 2023. Collection method: clinical testing. Allele origin: germline.
Comment: The p.M5I variant (also known as c.15G>T), located in coding exon 1 of the RAD51 gene, results from a G to T substitution at nucleotide position 15. The methionine at codon 5 is replaced by isoleucine, an amino acid with highly similar properties. This amino acid position is conserved. In addition, the in silico prediction for this alteration is inconclusive. Since supporting evidence is limited at this time, the clinical significance of this alteration remains unclear.